The following is an entry in ClinVar:

NM_004517.4(ILK):c.205A>T (p.Thr69Ser)

Genes: ILK (integrin linked kinase; plus strand), TAF10 (TATA-box binding protein associated factor 10; minus strand). Cytogenetic location: 11p15.4.
Variant type: single nucleotide variant.
Coding change: c.205A>T on transcript NM_004517.4 (MANE Select); coding-DNA position 205, A replaced by T.
Protein change: p.Thr69Ser; replaces threonine 69 with serine.
Molecular consequence: missense variant. On other transcripts: 3 prime UTR variant (1), intron variant (1).
Genome position (GRCh38, 1-based): chr11:6,608,161, A>T. VCF-style: chr11-6608161-A-T. GRCh37 (hg19) VCF-style: chr11-6629391-A-T.
Other names: c.205A>T, p.Thr69Ser (NM_001014794.3, NM_001014795.3, NM_001278441.2); c.*2761T>A (NM_006284.4); c.-147-233A>T (NM_001278442.2); short protein forms T69S.
Identifiers: ClinVar variation 1785188 (VCV001785188.2), dbSNP rs773109315, ClinGen allele CA5857973.

ClinVar aggregate classification (germline): Uncertain significance (1 of 4 stars; one submission).

Allele frequency attached by ClinVar (database versions not stated): ExAC 0.00001; gnomAD 0.00001; TOPMed 0.00001.
gnomAD v4.1: 2 of 1,613,560 alleles (0.00012%); highest among the groups gnomAD compares: Admixed American, 0.0017%; no homozygotes.

Submission:

Ambry Genetics
Classification: Uncertain significance. Last evaluated: 2021-07-12. Review status: criteria provided, single submitter. Criteria: Ambry Variant Classification Scheme 2023. Collection method: clinical testing. Allele origin: germline.
Comment: The p.T69S variant (also known as c.205A>T), located in coding exon 2 of the ILK gene, results from an A to T substitution at nucleotide position 205. The threonine at codon 69 is replaced by serine, an amino acid with similar properties. This amino acid position is conserved. In addition, the in silico prediction for this alteration is inconclusive. Since supporting evidence is limited at this time, the clinical significance of this alteration remains unclear.